The following is an entry in ClinVar:

ClinVar aggregate classification (germline): Uncertain significance (1 of 4 stars; one submission).

Submission:

GeneDx
Classification: Uncertain significance. Last evaluated: 2025-04-14. Review status: criteria provided, single submitter. Criteria: GeneDx Variant Classification Process June 2021. Collection method: clinical testing. Allele origin: germline. Affected: yes.
Comment: Not observed at significant frequency in large population cohorts (gnomAD); In silico analysis indicates that this missense variant does not alter protein structure/function; Has not been previously published as pathogenic or benign to our knowledge

NM_015100.4(POGZ):c.3965C>T (p.Ser1322Phe)

Gene: POGZ (pogo transposable element derived with ZNF domain; minus strand). Cytogenetic location: 1q21.3.
Variant type: single nucleotide variant.
Coding change: c.3965C>T on transcript NM_015100.4 (MANE Select); coding-DNA position 3965, C replaced by T.
Protein change: p.Ser1322Phe; replaces serine 1322 with phenylalanine.
Molecular consequence: missense variant.
Genome position (GRCh38, 1-based): chr1:151,405,070, G>A on the plus strand (C>T on the coding strand, the complement: POGZ is on the minus strand). VCF-style: chr1-151405070-G-A. GRCh37 (hg19) VCF-style: chr1-151377546-G-A.
Other names: c.3938C>T, p.Ser1313Phe (NM_001194937.2); c.3779C>T, p.Ser1260Phe (NM_001194938.2); c.3986C>T, p.Ser1329Phe (NM_001410860.1); c.3680C>T, p.Ser1227Phe (NM_145796.4); c.3806C>T, p.Ser1269Phe (NM_207171.2); short protein forms S1227F, S1260F, S1269F, S1313F, S1322F, S1329F.
Identifiers: ClinVar variation 4282213 (VCV004282213.1).